The following is an entry in ClinVar:

ClinVar aggregate classification (germline): Uncertain significance (1 of 4 stars; one submission).

gnomAD v4.1: 3 of 1,614,010 alleles (0.00019%); highest among the groups gnomAD compares: Admixed American, 0.0017%; no homozygotes.

Submission:

Dasa
Classification: Uncertain significance. Last evaluated: 2026-04-02. Review status: criteria provided, single submitter. Criteria: DASA Assertion Criteria. Collection method: clinical testing. Allele origin: germline.
Comment: NM_001029860.4(FBXO43):c.224A>G (p.Asp75Gly) is a missense variant that results in the substitution of aspartic acid with glycine. This variant is rare in population databases. The currently available literature and clinical evidence are not sufficient to establish a definitive association between this variant and the reported condition. Therefore, this variant is classified as a variant of uncertain significance.

NM_001029860.4(FBXO43):c.224A>G (p.Asp75Gly)

Gene: FBXO43 (F-box protein 43; minus strand). Cytogenetic location: 8q22.2.
Variant type: single nucleotide variant.
Coding change: c.224A>G on transcript NM_001029860.4 (MANE Select); coding-DNA position 224, A replaced by G.
Protein change: p.Asp75Gly; replaces aspartic acid 75 with glycine.
Molecular consequence: missense variant. On other transcripts: non-coding transcript variant (1).
Genome position (GRCh38, 1-based): chr8:100,142,030, T>C on the plus strand (A>G on the coding strand, the complement: FBXO43 is on the minus strand). VCF-style: chr8-100142030-T-C. GRCh37 (hg19) VCF-style: chr8-101154258-T-C.
Other names: short protein forms D75G.
Identifiers: ClinVar variation 4885075 (VCV004885075.2).